The following is an entry in ClinVar:

NM_003873.7(NRP1):c.2482+9G>T

Gene: NRP1 (neuropilin 1; minus strand). Cytogenetic location: 10p11.22.
Variant type: single nucleotide variant.
Coding change: c.2482+9G>T on transcript NM_003873.7 (MANE Select); 9 bases into the intron after coding-DNA position 2482, G replaced by T.
Molecular consequence: intron variant.
Genome position (GRCh38, 1-based): chr10:33,182,689, C>A on the plus strand (G>T on the coding strand, the complement: NRP1 is on the minus strand). VCF-style: chr10-33182689-C-A. GRCh37 (hg19) VCF-style: chr10-33471617-C-A.
Other names: c.2461+9G>T (NM_001244973.2); c.2464+9G>T (NM_001244972.2); c.2432-2324G>T (NM_001330068.2).
Identifiers: ClinVar variation 3358104 (VCV003358104.1).

ClinVar aggregate classification (germline): Likely benign (0 of 4 stars; one submission).

Conditions:
NRP1-related disorder. Also called: NRP1-related condition.

gnomAD v4.1: 14 of 1,608,984 alleles (0.00087%); highest among the groups gnomAD compares: Non-Finnish European, 0.0012%; no homozygotes.

Submission:

PreventionGenetics, part of Exact Sciences
Classification: Likely benign for NRP1-related condition. Last evaluated: 2022-05-13. Review status: no assertion criteria provided. Collection method: clinical testing. Allele origin: germline.
Comment: This variant is classified as likely benign based on ACMG/AMP sequence variant interpretation guidelines (Richards et al. 2015 PMID: 25741868, with internal and published modifications).